The following is an entry in ClinVar:

NC_000009.12:g.35657866_35657867insA

Gene: RMRP (RNA component of mitochondrial RNA processing endoribonuclease; minus strand). Cytogenetic location: 9p13.3.
Variant type: Insertion.
Genome position: GRCh38 VCF-style: chr9-35657866-T-TA. GRCh37 (hg19) VCF-style: chr9-35657863-T-TA.
Identifiers: ClinVar variation 2063293 (VCV002063293.1), dbSNP rs745372450, ClinGen allele CA5045832.

ClinVar aggregate classification (germline): Uncertain significance (1 of 4 stars; one submission).

Conditions:
Anauxetic dysplasia. Identifiers: Orphanet 93347, MedGen C1846796, MONDO:0011773.

Allele frequency attached by ClinVar (database versions not stated): gnomAD 0.00001; gnomAD exomes 0.00002; TOPMed 0.00002; ExAC 0.00009.

Submission:

Labcorp Genetics (formerly Invitae), Labcorp
Classification: Uncertain significance for Anauxetic dysplasia. Last evaluated: 2022-04-12. Review status: criteria provided, single submitter. Criteria: Invitae Variant Classification Sherloc (09022015). Collection method: clinical testing. Allele origin: germline.
Comment: This variant occurs in the RMRP gene, which encodes an RNA molecule that does not result in a protein product. This variant is present in population databases (rs745372450, gnomAD 0.004%). This variant has not been reported in the literature in individuals affected with RMRP-related conditions. Experimental studies and prediction algorithms are not available or were not evaluated, and the functional significance of this variant is currently unknown. In summary, the available evidence is currently insufficient to determine the role of this variant in disease. Therefore, it has been classified as a Variant of Uncertain Significance.